The following is an entry in ClinVar:

NM_000321.3(RB1):c.719-8T>C

Gene: RB1 (RB transcriptional corepressor 1; plus strand). Cytogenetic location: 13q14.2.
Variant type: single nucleotide variant.
Coding change: c.719-8T>C on transcript NM_000321.3 (MANE Select); 8 bases into the intron before coding-DNA position 719, T replaced by C.
Molecular consequence: intron variant.
Genome position (GRCh38, 1-based): chr13:48,362,807, T>C. VCF-style: chr13-48362807-T-C. GRCh37 (hg19) VCF-style: chr13-48936943-T-C.
Identifiers: ClinVar variation 237677 (VCV000237677.13), dbSNP rs754589578, ClinGen allele CA039382.

ClinVar aggregate classification (germline): Benign/Likely benign. Review status: criteria provided, multiple submitters, no conflicts (2 of 4 stars). 4 submissions from 4 submitters: Benign (1); Likely benign (3). Last evaluated 2026-06-18.

Conditions:
Hereditary cancer-predisposing syndrome. Also called: Hereditary neoplastic syndrome; Neoplastic Syndromes, Hereditary; Hereditary Cancer Syndrome; Tumor predisposition. Identifiers: Orphanet 140162, MedGen C0027672, MeSH D009386, MONDO:0015356.
Retinoblastoma (RB1). Also called: RETINOBLASTOMA, SOMATIC. Identifiers: Orphanet 790, MedGen C0035335, MeSH D012175, MONDO:0008380, OMIM 180200, HP:0009919. Disease mechanism: loss of function. Inheritance: Both sporadic and heritable forms are tested..

Allele frequency attached by ClinVar (database versions not stated): gnomAD exomes 0.00001 and 0.00003; gnomAD 0.00004 and 0.00003; TOPMed 0.00004; ExAC 0.00001.
gnomAD v4.1: 44 of 1,612,992 alleles (0.0027%); highest among the groups gnomAD compares: Admixed American, 0.0083%; no homozygotes.

Submissions (4):

Myriad Genetics, Inc.
Classification: Likely benign for Retinoblastoma. Last evaluated: 2026-06-18. Review status: criteria provided, single submitter. Criteria: Myriad Autosomal Dominant, Autosomal Recessive and X-Linked Classification Criteria (2023). Collection method: clinical testing. Allele origin: unknown.
Comment: This variant is considered likely benign. This variant is intronic and is not expected to impact mRNA splicing.

Ambry Genetics
Classification: Benign for Hereditary cancer-predisposing syndrome. Last evaluated: 2026-02-12. Review status: criteria provided, single submitter. Criteria: Ambry Variant Classification Scheme 2023. Collection method: clinical testing. Allele origin: germline.

Labcorp Genetics (formerly Invitae), Labcorp
Classification: Likely benign for Retinoblastoma. Last evaluated: 2025-05-18. Review status: criteria provided, single submitter. Criteria: Invitae Variant Classification Sherloc (09022015). Collection method: clinical testing. Allele origin: germline.

Color Diagnostics, LLC DBA Color Health
Classification: Likely benign for Retinoblastoma. Last evaluated: 2022-04-26. Review status: criteria provided, single submitter. Criteria: ACMG Guidelines, 2015. Collection method: clinical testing. Allele origin: germline.